The following is an entry in ClinVar:

ClinVar aggregate classification (germline): Uncertain significance. Review status: criteria provided, multiple submitters, no conflicts (2 of 4 stars). 2 submissions from 2 submitters: Uncertain significance (2). Last evaluated 2024-10-28.

Conditions:
Emery-Dreifuss muscular dystrophy 4, autosomal dominant (EDMD4). Also called: EMERY-DREIFUSS MUSCULAR DYSTROPHY 4 WITH VARIABLE FEATURES. Identifiers: Orphanet 261, MedGen C2751807, MONDO:0013071, OMIM 612998.
Autosomal recessive ataxia, Beauce type. Also called: Spinocerebellar ataxia, autosomal recessive 8; ATAXIA, RECESSIVE, OF BEAUCE; SYNE1 Deficiency; SYNE1-Related Autosomal Recessive Cerebellar Ataxia. Identifiers: Orphanet 88644, MedGen C1853116, MONDO:0012549, OMIM 610743.

Allele frequency attached by ClinVar (database versions not stated): ExAC 0.00001; gnomAD 0.00001; TOPMed 0.00001; gnomAD exomes 0.00002.
gnomAD v4.1: 11 of 1,612,204 alleles (0.00068%); highest among the groups gnomAD compares: Admixed American, 0.015%; no homozygotes.

Submissions (2):

Labcorp Genetics (formerly Invitae), Labcorp
Classification: Uncertain significance for Emery-Dreifuss muscular dystrophy 4, autosomal dominant; Autosomal recessive ataxia, Beauce type. Last evaluated: 2024-10-28. Review status: criteria provided, single submitter. Criteria: Invitae Variant Classification Sherloc (09022015). Collection method: clinical testing. Allele origin: germline.
Comment: This sequence change replaces aspartic acid, which is acidic and polar, with glycine, which is neutral and non-polar, at codon 6995 of the SYNE1 protein (p.Asp6995Gly). This variant is present in population databases (rs755014049, gnomAD 0.009%). This variant has not been reported in the literature in individuals affected with SYNE1-related conditions. ClinVar contains an entry for this variant (Variation ID: 1436407). An algorithm developed to predict the effect of missense changes on protein structure and function (PolyPhen-2) suggests that this variant¬¨‚Ä†is likely to be tolerated. In summary, the available evidence is currently insufficient to determine the role of this variant in disease. Therefore, it has been classified as a Variant of Uncertain Significance.

GeneDx
Classification: Uncertain significance. Last evaluated: 2024-08-22. Review status: criteria provided, single submitter. Criteria: GeneDx Variant Classification Process June 2021. Collection method: clinical testing. Allele origin: germline. Affected: yes.
Comment: In silico analysis supports that this missense variant has a deleterious effect on protein structure/function; Has not been previously published as pathogenic or benign to our knowledge

NM_182961.4(SYNE1):c.21197A>G (p.Asp7066Gly)

Gene: SYNE1 (spectrin repeat containing nuclear envelope protein 1; minus strand). Cytogenetic location: 6q25.2.
Variant type: single nucleotide variant.
Coding change: c.21197A>G on transcript NM_182961.4 (MANE Select); coding-DNA position 21197, A replaced by G.
Protein change: p.Asp7066Gly; replaces aspartic acid 7066 with glycine.
Molecular consequence: missense variant.
Genome position (GRCh38, 1-based): chr6:152,225,875, T>C on the plus strand (A>G on the coding strand, the complement: SYNE1 is on the minus strand). VCF-style: chr6-152225875-T-C. GRCh37 (hg19) VCF-style: chr6-152547010-T-C.
Other names: c.20984A>G, p.Asp6995Gly (NM_033071.5); c.20984A>G (NM_033071.3); short protein forms D6995G, D7066G.
Identifiers: ClinVar variation 1436407 (VCV001436407.5), dbSNP rs755014049, ClinGen allele CA4054218.